The following is an entry in ClinVar:

NM_003235.5(TG):c.6379C>T (p.Arg2127Ter)

Gene: TG (thyroglobulin; plus strand). Cytogenetic location: 8q24.22.
Variant type: single nucleotide variant.
Coding change: c.6379C>T on transcript NM_003235.5 (MANE Select); coding-DNA position 6379, C replaced by T.
Protein change: p.Arg2127Ter; replaces arginine 2127 with a stop codon.
Molecular consequence: nonsense.
Genome position (GRCh38, 1-based): chr8:133,012,017, C>T. VCF-style: chr8-133012017-C-T. GRCh37 (hg19) VCF-style: chr8-134024262-C-T.
Other names: short protein forms R2127*.
Identifiers: ClinVar variation 286402 (VCV000286402.14), dbSNP rs375424292, ClinGen allele CA4884886.

ClinVar aggregate classification (germline): Pathogenic. Review status: criteria provided, multiple submitters, no conflicts (2 of 4 stars). 3 submissions from 3 submitters: Pathogenic (3). Last evaluated 2024-03-14.

Conditions:
Iodotyrosyl coupling defect (TDH3). Also called: THYROID HORMONOGENESIS, GENETIC DEFECT IN, 3; HYPOTHYROIDISM, CONGENITAL, DUE TO DYSHORMONOGENESIS, 3. Identifiers: Orphanet 95716, MedGen C0342194, MONDO:0010135, OMIM 274700.

Allele frequency attached by ClinVar (database versions not stated): ExAC 0.00002; gnomAD exomes 0.00002; TOPMed 0.00002; gnomAD 0.00003; ESP Exome Variant Server 0.00008.
gnomAD v4.1: 17 of 1,614,050 alleles (0.0011%); highest among the groups gnomAD compares: East Asian, 0.0067%; no homozygotes.

Submissions (3):

Labcorp Genetics (formerly Invitae), Labcorp
Classification: Pathogenic. Last evaluated: 2024-03-14. Review status: criteria provided, single submitter. Criteria: Invitae Variant Classification Sherloc (09022015). Collection method: clinical testing. Allele origin: germline.
Comment: This sequence change creates a premature translational stop signal (p.Arg2127*) in the TG gene. It is expected to result in an absent or disrupted protein product. Loss-of-function variants in TG are known to be pathogenic (PMID: 19837936, 23164529). This variant is present in population databases (rs375424292, gnomAD 0.006%). This variant has not been reported in the literature in individuals affected with TG-related conditions. ClinVar contains an entry for this variant (Variation ID: 286402). Algorithms developed to predict the effect of sequence changes on RNA splicing suggest that this variant may disrupt the consensus splice site. For these reasons, this variant has been classified as Pathogenic.

Eurofins Ntd Llc (ga)
Classification: Pathogenic. Last evaluated: 2016-03-01. Review status: criteria provided, single submitter. Criteria: EGL Classification Definitions 2015. Collection method: clinical testing. Allele origin: germline. Observed: 1 variant allele, 1 heterozygote.

Juno Genomics, Hangzhou Juno Genomics, Inc
Classification: Pathogenic for Iodotyrosyl coupling defect. Review status: criteria provided, single submitter. Criteria: ACMG Guidelines, 2015. Collection method: clinical testing. Allele origin: germline. Affected: yes.
Comment: Null variant in a gene where loss of function (LOF) is a known mechanism of disease.;Absent from controls (or at extremely low frequency if recessive) in Genome Aggregation Database, Exome Sequencing Project, 1000 Genomes Project, or Exome Aggregation Consortium.;Patient's phenotype or family history is highly specific for a disease with a single genetic etiology.

Literature cited by the submitters: PubMed 19837936 (cited by Labcorp Genetics (formerly Invitae), Labcorp); PubMed 23164529 (cited by Labcorp Genetics (formerly Invitae), Labcorp).